The following is an entry in ClinVar:

NM_001348800.3(ZBTB20):c.659C>T (p.Thr220Met)

Gene: ZBTB20 (zinc finger and BTB domain containing 20; minus strand). Cytogenetic location: 3q13.31.
Variant type: single nucleotide variant.
Coding change: c.659C>T on transcript NM_001348800.3 (MANE Select); coding-DNA position 659, C replaced by T.
Protein change: p.Thr220Met; replaces threonine 220 with methionine.
Molecular consequence: missense variant.
Genome position (GRCh38, 1-based): chr3:114,351,419, G>A on the plus strand (C>T on the coding strand, the complement: ZBTB20 is on the minus strand). VCF-style: chr3-114351419-G-A. GRCh37 (hg19) VCF-style: chr3-114070266-G-A.
Other names: c.659C>T (NM_001164342.1); c.659C>T, p.Thr220Met (NM_001164342.2, NM_001348803.3, NM_001393393.1 and 1 more transcripts); c.440C>T, p.Thr147Met (NM_001164343.2, NM_001164344.4, NM_001164345.4 and 9 more transcripts); short protein forms T220M, T147M.
Identifiers: ClinVar variation 1392227 (VCV001392227.9), dbSNP rs141898386, ClinGen allele CA2551404.

ClinVar aggregate classification (germline): Conflicting classifications of pathogenicity. Review status: criteria provided, conflicting classifications (1 of 4 stars). 2 submissions from 2 submitters: Uncertain significance (1); Likely benign (1). Last evaluated 2025-06-04.

Conditions:
Inborn genetic diseases. Identifiers: MedGen C0950123, MeSH D030342.

Allele frequency attached by ClinVar (database versions not stated): gnomAD exomes 0.00002 and 0.00005; gnomAD 0.00003; TOPMed 0.00006; ExAC 0.00007; ESP Exome Variant Server 0.00008.
gnomAD v4.1: 43 of 1,612,926 alleles (0.0027%); highest among the groups gnomAD compares: South Asian, 0.013%; no homozygotes.

Submissions (2):

Labcorp Genetics (formerly Invitae), Labcorp
Classification: Uncertain significance. Last evaluated: 2025-06-04. Review status: criteria provided, single submitter. Criteria: Invitae Variant Classification Sherloc (09022015). Collection method: clinical testing. Allele origin: germline.
Comment: This sequence change replaces threonine, which is neutral and polar, with methionine, which is neutral and non-polar, at codon 220 of the ZBTB20 protein (p.Thr220Met). This variant is present in population databases (rs141898386, gnomAD 0.02%). This variant has not been reported in the literature in individuals affected with ZBTB20-related conditions. ClinVar contains an entry for this variant (Variation ID: 1392227). Invitae Evidence Modeling of protein sequence and biophysical properties (such as structural, functional, and spatial information, amino acid conservation, physicochemical variation, residue mobility, and thermodynamic stability) indicates that this missense variant is not expected to disrupt ZBTB20 protein function with a negative predictive value of 95%. In summary, the available evidence is currently insufficient to determine the role of this variant in disease. Therefore, it has been classified as a Variant of Uncertain Significance.

Ambry Genetics
Classification: Likely benign for Inborn genetic diseases. Last evaluated: 2021-11-29. Review status: criteria provided, single submitter. Criteria: Ambry Variant Classification Scheme 2023. Collection method: clinical testing. Allele origin: germline.